The following is an entry in ClinVar:

NM_000540.3(RYR1):c.8744A>C (p.Glu2915Ala)

Gene: RYR1 (ryanodine receptor 1; plus strand). Cytogenetic location: 19q13.2.
Variant type: single nucleotide variant.
Coding change: c.8744A>C on transcript NM_000540.3 (MANE Select); coding-DNA position 8744, A replaced by C.
Protein change: p.Glu2915Ala; replaces glutamic acid 2915 with alanine.
Molecular consequence: missense variant.
Genome position (GRCh38, 1-based): chr19:38,506,880, A>C. VCF-style: chr19-38506880-A-C. GRCh37 (hg19) VCF-style: chr19-38997520-A-C.
Other names: c.8744A>C, p.Glu2915Ala (NM_001042723.2); short protein forms E2915A.
Identifiers: ClinVar variation 851062 (VCV000851062.9), dbSNP rs1970479233, ClinGen allele CA405681000.
Genomic context (GRCh38, chr19:38,506,880, plus strand): 5'-CCTCCCCAGGCGGTGGGACCCACCCCCTGCTGGTCCCCTACGACACGCTCACGGCCAAGG[A>C]GAAGGCACGAGATCGAGAGAAGGCCCAGGAGCTACTGAAATTCCTGCAGATGAATGGCTA-3'
Protein context (NP_000531.2, residues 2905-2925): LVPYDTLTAK[Glu2915Ala]KARDREKAQE

ClinVar aggregate classification (germline): Uncertain significance (1 of 4 stars; one submission).

Conditions:
RYR1-related disorder. Also called: RYR1-related disorders; RYR1-related condition. Identifiers: MedGen CN239331.

Submission:

Labcorp Genetics (formerly Invitae), Labcorp
Classification: Uncertain significance for RYR1-related disorder. Last evaluated: 2019-03-22. Review status: criteria provided, single submitter. Criteria: Invitae Variant Classification Sherloc (09022015). Collection method: clinical testing. Allele origin: germline.
Comment: This sequence change replaces glutamic acid with alanine at codon 2915 of the RYR1 protein (p.Glu2915Ala). The glutamic acid residue is highly conserved and there is a moderate physicochemical difference between glutamic acid and alanine. This variant is not present in population databases (ExAC no frequency). This variant has not been reported in the literature in individuals with RYR1-related conditions. Algorithms developed to predict the effect of missense changes on protein structure and function are either unavailable or do not agree on the potential impact of this missense change (SIFT: "Deleterious"; PolyPhen-2: "Benign"; Align-GVGD: "Class C0"). In summary, the available evidence is currently insufficient to determine the role of this variant in disease. Therefore, it has been classified as a Variant of Uncertain Significance.